The following is an entry in ClinVar:

NM_001159699.2(FHL1):c.786C>A (p.His262Gln)

Gene: FHL1 (four and a half LIM domains 1; plus strand). Cytogenetic location: Xq26.3.
Variant type: single nucleotide variant.
Coding change: c.786C>A on transcript NM_001159699.2 (MANE Select); coding-DNA position 786, C replaced by A.
Protein change: p.His262Gln; replaces histidine 262 with glutamine.
Molecular consequence: missense variant. On other transcripts: non-coding transcript variant (1).
Genome position (GRCh38, 1-based): chrX:136,209,920, C>A. VCF-style: chrX-136209920-C-A. GRCh37 (hg19) VCF-style: chrX-135292079-C-A.
Other names: c.738C>A, p.His246Gln (NM_001159700.2, NM_001159704.1, NM_001167819.1 and 4 more transcripts); c.825C>A, p.His275Gln (NM_001159701.2); c.938C>A, p.Thr313Lys (NM_001159702.3, NM_001369326.1, NM_001369327.2 and 1 more transcripts); c.551C>A, p.Thr184Lys (NM_001159703.2); c.599C>A, p.Thr200Lys (NM_001330659.2); short protein forms H246Q, T313K, H262Q, H275Q, T184K, T200K.
Identifiers: ClinVar variation 537348 (VCV000537348.8), dbSNP rs141231353, ClinGen allele CA414609716.

ClinVar aggregate classification (germline): Uncertain significance (1 of 4 stars; one submission).

Conditions:
X-linked myopathy with postural muscle atrophy. Also called: FHL1-Related Emery-Dreifuss Muscular Dystrophy, X-Linked. Identifiers: Orphanet 178461, MedGen C2678055, MONDO:0010401, OMIM 300696.

Submission:

Labcorp Genetics (formerly Invitae), Labcorp
Classification: Uncertain significance for X-linked myopathy with postural muscle atrophy. Last evaluated: 2017-09-13. Review status: criteria provided, single submitter. Criteria: Invitae Variant Classification Sherloc (09022015). Collection method: clinical testing. Allele origin: germline.
Comment: This sequence change replaces histidine with glutamine at codon 246 of the FHL1 protein (p.His246Gln). The histidine residue is moderately conserved and there is a small physicochemical difference between histidine and glutamine. This variant is not present in population databases (ExAC no frequency). This variant has not been reported in the literature in individuals with FHL1-related disease. Algorithms developed to predict the effect of missense changes on protein structure and function do not agree on the potential impact of this missense change (SIFT: "Tolerated"; PolyPhen-2: "Probably Damaging"; Align-GVGD: "Class C0"). In summary, the available evidence is currently insufficient to determine the role of this variant in disease. Therefore, it has been classified as a Variant of Uncertain Significance.